The following is an entry in ClinVar:

ClinVar aggregate classification (germline): Pathogenic (1 of 4 stars; one submission).

Conditions:
GNPTAB-mucolipidosis. Also called: UDP-N-acetylglucosamine-1-phosphotransferase subunit alpha/beta deficiency. Identifiers: MedGen CN322573, MONDO:0100122.

Submission:

Myriad Genetics, Inc.
Classification: Pathogenic for GNPTAB-mucolipidosis. Last evaluated: 2023-10-11. Review status: criteria provided, single submitter. Criteria: Myriad Autosomal Dominant, Autosomal Recessive and X-Linked Classification Criteria (2023). Collection method: clinical testing. Allele origin: unknown.
Comment: NM_024312.4(GNPTAB):c.2741dupT(L914Ffs*6) is expected to be pathogenic in the context of GNPTAB-related disorders. This variant is predicted to lead to an abnormal or absent protein product due to the creation of a premature termination codon in GNPTAB, a gene where loss-of-function variants are known to be pathogenic. Please note: this variant was assessed in the context of healthy population screening.

NM_024312.5(GNPTAB):c.2741dup (p.Leu914fs)

Gene: GNPTAB (N-acetylglucosamine-1-phosphate transferase subunits alpha and beta; minus strand). Cytogenetic location: 12q23.2.
Variant type: Duplication.
Coding change: c.2741dup on transcript NM_024312.5 (MANE Select); coding-DNA position 2741, one base duplicated (T; older notation c.2741dupT).
Protein change: p.Leu914fs; shifts the reading frame from leucine 914.
Molecular consequence: frameshift variant.
Genome position (GRCh38, 1-based): chr12:101,761,738, A duplicated on the plus strand (T on the coding strand, the reverse complement: GNPTAB is on the minus strand); the first of 2 consecutive A bases (chr12:101,761,738-101,761,739); duplicating either gives the same sequence. VCF-style (leftmost placement, unchanged base first): chr12-101761737-C-CA. GRCh37 (hg19) VCF-style: chr12-102155515-C-CA.
Other names: short protein forms L914fs.
Identifiers: ClinVar variation 5012375 (VCV005012375.1).